The following is an entry in ClinVar:

ClinVar aggregate classification (germline): Uncertain significance (1 of 4 stars; one submission).

Conditions:
Inborn genetic diseases. Identifiers: MedGen C0950123, MeSH D030342.

Submission:

Ambry Genetics
Classification: Uncertain significance for Inborn genetic diseases. Last evaluated: 2026-04-04. Review status: criteria provided, single submitter. Criteria: Ambry Variant Classification Scheme 2023. Collection method: clinical testing. Allele origin: germline.
Comment: The p.A173D variant (also known as c.518C>A), located in coding exon 5 of the FANCG gene, results from a C to A substitution at nucleotide position 518. The alanine at codon 173 is replaced by aspartic acid, an amino acid with dissimilar properties. This amino acid position is conserved. In addition, this alteration is predicted to be tolerated by in silico analysis. Based on the available evidence, the clinical significance of this variant remains unclear.

NM_004629.2(FANCG):c.518C>A (p.Ala173Asp)

Gene: FANCG (FA complementation group G; minus strand). Cytogenetic location: 9p13.3.
Variant type: single nucleotide variant.
Coding change: c.518C>A on transcript NM_004629.2 (MANE Select); coding-DNA position 518, C replaced by A.
Protein change: p.Ala173Asp; replaces alanine 173 with aspartic acid.
Molecular consequence: missense variant.
Genome position (GRCh38, 1-based): chr9:35,077,392, G>T on the plus strand (C>A on the coding strand, the complement: FANCG is on the minus strand). VCF-style: chr9-35077392-G-T. GRCh37 (hg19) VCF-style: chr9-35077389-G-T.
Other names: short protein forms A173D.
Identifiers: ClinVar variation 4870983 (VCV004870983.1).